The following is an entry in ClinVar:

ClinVar aggregate classification (germline): Benign/Likely benign. Review status: criteria provided, multiple submitters, no conflicts (2 of 4 stars). 3 submissions from 3 submitters: Benign (1); Likely benign (1). 1 of the submissions does not count toward it. Last evaluated 2026-08-01.

Conditions:
TRIM28-related disorder. Also called: TRIM28-related condition.

Allele frequency attached by ClinVar (database versions not stated): 1000 Genomes Project 0.00020; 1000 Genomes Project 30x 0.00047; TOPMed 0.00189; gnomAD 0.00218; ExAC 0.00271; gnomAD exomes 0.00345.

Submissions (3):

CeGaT Center for Human Genetics Tuebingen
Classification: Likely benign. Last evaluated: 2026-08-01. Review status: criteria provided, single submitter. Criteria: CeGaT Center For Human Genetics Tuebingen Variant Classification Criteria Version 2. Collection method: clinical testing. Allele origin: germline. Affected: yes. Observed: 17 variant alleles.
Comment: TRIM28: BP4, BP7, BS2

Labcorp Genetics (formerly Invitae), Labcorp
Classification: Benign. Last evaluated: 2026-02-03. Review status: criteria provided, single submitter. Criteria: Invitae Variant Classification Sherloc (09022015). Collection method: clinical testing. Allele origin: germline.

PreventionGenetics, part of Exact Sciences
Classification: Likely benign for TRIM28-related condition. Last evaluated: 2023-03-03. Review status: no assertion criteria provided. Collection method: clinical testing. Allele origin: germline. Not counted in ClinVar's aggregate classification.
Comment: This variant is classified as likely benign based on ACMG/AMP sequence variant interpretation guidelines (Richards et al. 2015 PMID: 25741868, with internal and published modifications).

NM_005762.3(TRIM28):c.114C>T (p.Ala38=)

Genes: TRIM28 (tripartite motif containing 28; plus strand), LOC130065239 (ATAC-STARR-seq lymphoblastoid silent region 11093; plus strand). Cytogenetic location: 19q13.43.
Variant type: single nucleotide variant.
Coding change: c.114C>T on transcript NM_005762.3 (MANE Select); coding-DNA position 114, C replaced by T.
Protein change: p.Ala38=; no amino-acid change (alanine 38 retained).
Molecular consequence: synonymous variant.
Genome position (GRCh38, 1-based): chr19:58,544,871, C>T. VCF-style: chr19-58544871-C-T. GRCh37 (hg19) VCF-style: chr19-59056238-C-T.
Other names: c.114C>T (NM_005762.2).
Identifiers: ClinVar variation 2650595 (VCV002650595.28), dbSNP rs574298340, ClinGen allele CA9718786.